The following is an entry in ClinVar:

ClinVar aggregate classification (germline): Uncertain significance (1 of 4 stars; one submission).

Conditions:
Developmental and epileptic encephalopathy, 42 (DEE42A). Also called: DEVELOPMENTAL AND EPILEPTIC ENCEPHALOPATHY 42A; EPILEPTIC ENCEPHALOPATHY, EARLY INFANTILE, 42A; Epileptic encephalopathy, early infantile, 42. Identifiers: MedGen C4310716, MONDO:0014917, OMIM 617106.
Episodic ataxia type 2 (EA2). Also called: ACETAZOLAMIDE-RESPONSIVE HEREDITARY PAROXYSMAL CEREBELLAR ATAXIA; ATAXIA, EPISODIC, WITH NYSTAGMUS; ATAXIA, FAMILIAL PAROXYSMAL; CEREBELLAR ATAXIA, PAROXYSMAL, ACETAZOLAMIDE-RESPONSIVE; CEREBELLOPATHY, HEREDITARY PAROXYSMAL; EPISODIC ATAXIA, NYSTAGMUS-ASSOCIATED. Identifiers: Orphanet 97, MedGen C1720416, MONDO:0007163, OMIM 108500.

Submission:

Labcorp Genetics (formerly Invitae), Labcorp
Classification: Uncertain significance for Developmental and epileptic encephalopathy, 42; Episodic ataxia type 2. Last evaluated: 2023-12-25. Review status: criteria provided, single submitter. Criteria: Invitae Variant Classification Sherloc (09022015). Collection method: clinical testing. Allele origin: germline.
Comment: This sequence change replaces threonine, which is neutral and polar, with asparagine, which is neutral and polar, at codon 2054 of the CACNA1A protein (p.Thr2054Asn). This variant is not present in population databases (gnomAD no frequency). This variant has not been reported in the literature in individuals affected with CACNA1A-related conditions. Advanced modeling of protein sequence and biophysical properties (such as structural, functional, and spatial information, amino acid conservation, physicochemical variation, residue mobility, and thermodynamic stability) performed at Invitae indicates that this missense variant is not expected to disrupt CACNA1A protein function with a negative predictive value of 95%. In summary, the available evidence is currently insufficient to determine the role of this variant in disease. Therefore, it has been classified as a Variant of Uncertain Significance.

NM_001127222.2(CACNA1A):c.6158C>A (p.Thr2053Asn)

Gene: CACNA1A (calcium voltage-gated channel subunit alpha1 A; minus strand). Cytogenetic location: 19p13.13.
Variant type: single nucleotide variant.
Coding change: c.6158C>A on transcript NM_001127222.2 (MANE Select); coding-DNA position 6158, C replaced by A.
Protein change: p.Thr2053Asn; replaces threonine 2053 with asparagine.
Molecular consequence: missense variant.
Genome position (GRCh38, 1-based): chr19:13,212,415, G>T on the plus strand (C>A on the coding strand, the complement: CACNA1A is on the minus strand). VCF-style: chr19-13212415-G-T. GRCh37 (hg19) VCF-style: chr19-13323229-G-T.
Other names: c.6176C>A, p.Thr2059Asn (NM_000068.4, NM_023035.3); c.6161C>A, p.Thr2054Asn (NM_001127221.2); c.6167C>A, p.Thr2056Asn (NM_001174080.2); short protein forms T2053N, T2054N, T2056N, T2059N.
Identifiers: ClinVar variation 2921490 (VCV002921490.3), dbSNP rs2512535607, ClinGen allele CA404332755.